The following is an entry in ClinVar:

ClinVar aggregate classification (germline): Likely pathogenic (1 of 4 stars; one submission).

Conditions:
Cardiovascular phenotype. Identifiers: MedGen CN230736.

Submission:

Ambry Genetics
Classification: Likely pathogenic for Cardiovascular phenotype. Last evaluated: 2026-08-03. Review status: criteria provided, single submitter. Criteria: Ambry Variant Classification Scheme 2023. Collection method: clinical testing. Allele origin: germline.
Comment: The p.E9773* variant (also known as c.29317G>T), located in coding exon 117 of the TTN gene, results from a G to T substitution at nucleotide position 29317. This changes the amino acid from a glutamic acid to a stop codon within coding exon 117. This exon is located in the A-band region of the N2-B isoform of the titin protein and is constitutively expressed in TTN transcripts (percent spliced in or PSI 100%). This variant is considered to be rare based on population cohorts in the Genome Aggregation Database (gnomAD). This variant is expected to result in loss of function by premature protein truncation or nonsense-mediated mRNA decay. While truncating variants in TTN are present in 1-3% of the general population, truncating variants in the A-band are the most common cause of dilated cardiomyopathy (Herman DS et al. N. Engl. J. Med., 2012 Feb;366:619-28; Roberts AM et al. Sci Transl Med, 2015 Jan;7:270ra6). TTN truncating variants encoded in constitutive exons (PSI >90%) have been found to be significantly associated with DCM regardless of their position in titin (Schafer S et al. Nat. Genet., 2017 01;49:46-53; Akhtar MM et al. Circ Heart Fail, 2020 Oct;13:e006832; Massier M et al. Clin Genet, 2025 Jan). Based on the majority of available evidence to date, this variant is likely to be pathogenic.

NM_001267550.2(TTN):c.56512G>T (p.Glu18838Ter)

Genes: TTN (titin; minus strand), TTN-AS1 (TTN antisense RNA 1; plus strand). Cytogenetic location: 2q31.2.
Variant type: single nucleotide variant.
Coding change: c.56512G>T on transcript NM_001267550.2 (MANE Select); coding-DNA position 56512, G replaced by T.
Protein change: p.Glu18838Ter; replaces glutamic acid 18838 with a stop codon.
Molecular consequence: nonsense.
Genome position (GRCh38, 1-based): chr2:178,599,281, C>A on the plus strand (G>T on the coding strand, the complement: TTN is on the minus strand). VCF-style: chr2-178599281-C-A. GRCh37 (hg19) VCF-style: chr2-179464008-C-A.
Other names: c.29317G>T, p.Glu9773Ter (NM_003319.4); c.48808G>T, p.Glu16270Ter (NM_133378.4); c.29692G>T, p.Glu9898Ter (NM_133432.3); c.29893G>T, p.Glu9965Ter (NM_133437.4); c.51589G>T, p.Glu17197Ter (NM_001256850.1); short protein forms E18838*, E9773*, E9965*, E16270*, E17197*, E9898*.
Identifiers: ClinVar variation 5031483 (VCV005031483.1).